The following is an entry in ClinVar:

NM_001111125.3(IQSEC2):c.3796G>A (p.Ala1266Thr)

Gene: IQSEC2 (IQ motif and Sec7 domain ArfGEF 2; minus strand). Cytogenetic location: Xp11.22.
Variant type: single nucleotide variant.
Coding change: c.3796G>A on transcript NM_001111125.3 (MANE Select); coding-DNA position 3796, G replaced by A.
Protein change: p.Ala1266Thr; replaces alanine 1266 with threonine.
Molecular consequence: missense variant. On other transcripts: 3 prime UTR variant (2).
Genome position (GRCh38, 1-based): chrX:53,234,890, C>T on the plus strand (G>A on the coding strand, the complement: IQSEC2 is on the minus strand). VCF-style: chrX-53234890-C-T. GRCh37 (hg19) VCF-style: chrX-53264072-C-T.
Other names: c.*281G>A (NM_001410736.1, NM_015075.2); short protein forms A1266T.
Identifiers: ClinVar variation 3632689 (VCV003632689.2).

ClinVar aggregate classification (germline): Uncertain significance (1 of 4 stars; one submission).

Conditions:
Intellectual developmental disorder, X-linked 1. Also called: Atkin Flaitz Patil Smith syndrome; MENTAL RETARDATION, X-LINKED 18; MENTAL RETARDATION, X-LINKED 78; Intellectual disability, X-linked 1. Identifiers: Orphanet 777, MedGen C2931498, MONDO:0010656, OMIM 309530.

Submission:

Labcorp Genetics (formerly Invitae), Labcorp
Classification: Uncertain significance for Intellectual developmental disorder, X-linked 1. Last evaluated: 2025-03-18. Review status: criteria provided, single submitter. Criteria: Invitae Variant Classification Sherloc (09022015). Collection method: clinical testing. Allele origin: germline.
Comment: This sequence change replaces alanine, which is neutral and non-polar, with threonine, which is neutral and polar, at codon 1266 of the IQSEC2 protein (p.Ala1266Thr). This variant is not present in population databases (gnomAD no frequency). This variant has not been reported in the literature in individuals affected with IQSEC2-related conditions. Invitae Evidence Modeling of protein sequence and biophysical properties (such as structural, functional, and spatial information, amino acid conservation, physicochemical variation, residue mobility, and thermodynamic stability) indicates that this missense variant is not expected to disrupt IQSEC2 protein function with a negative predictive value of 95%. In summary, the available evidence is currently insufficient to determine the role of this variant in disease. Therefore, it has been classified as a Variant of Uncertain Significance.